The following is an entry in ClinVar:

NM_003200.5(TCF3):c.1613T>C (p.Leu538Pro)

Gene: TCF3 (transcription factor 3; minus strand). Cytogenetic location: 19p13.3.
Variant type: single nucleotide variant.
Coding change: c.1613T>C on transcript NM_003200.5 (MANE Select); coding-DNA position 1613, T replaced by C.
Protein change: p.Leu538Pro; replaces leucine 538 with proline.
Molecular consequence: missense variant. On other transcripts: intron variant (2).
Genome position (GRCh38, 1-based): chr19:1,615,494, A>G on the plus strand (T>C on the coding strand, the complement: TCF3 is on the minus strand). VCF-style: chr19-1615494-A-G. GRCh37 (hg19) VCF-style: chr19-1615493-A-G.
Other names: c.1610T>C, p.Leu537Pro (NM_001351778.2); c.1586+192T>C (NM_001136139.4, NM_001351779.2); short protein forms L537P, L538P.
Identifiers: ClinVar variation 4777181 (VCV004777181.1).

ClinVar aggregate classification (germline): Uncertain significance (1 of 4 stars; one submission).

gnomAD v4.1: 5 of 1,609,614 alleles (0.00031%); highest among the groups gnomAD compares: Non-Finnish European, 0.00025%; no homozygotes.

Submission:

Labcorp Genetics (formerly Invitae), Labcorp
Classification: Uncertain significance. Last evaluated: 2025-09-18. Review status: criteria provided, single submitter. Criteria: Invitae Variant Classification Sherloc (09022015). Collection method: clinical testing. Allele origin: germline.
Comment: This sequence change replaces leucine, which is neutral and non-polar, with proline, which is neutral and non-polar, at codon 538 of the TCF3 protein (p.Leu538Pro). This variant is not present in population databases (gnomAD no frequency). This missense change has been observed in individual(s) with TCF3-related conditions (PMID: 35753512). Invitae Evidence Modeling of protein sequence and biophysical properties (such as structural, functional, and spatial information, amino acid conservation, physicochemical variation, residue mobility, and thermodynamic stability) indicates that this missense variant is expected to disrupt TCF3 protein function with a positive predictive value of 80%. In summary, the available evidence is currently insufficient to determine the role of this variant in disease. Therefore, it has been classified as a Variant of Uncertain Significance.

Literature cited by the submitters: PubMed 35753512.